The following is an entry in ClinVar:

NC_012920.1(MT-CO1):m.7083A>G

Gene: MT-CO1 (mitochondrially encoded cytochrome c oxidase I; plus strand).
Variant type: single nucleotide variant.
Genome position: chrM-7083-A-G.
Identifiers: ClinVar variation 692698 (VCV000692698.1), dbSNP rs1603220768, ClinGen allele CA414791114.

ClinVar aggregate classification (germline): Likely benign (1 of 4 stars; one submission).

Conditions:
Leigh syndrome (NULS). Also called: Leigh's necrotizing encephalopathy; Leigh's disease; Leigh Syndrome (mtDNA deletion); Leigh Disease; Subacute necrotizing encephalopathy; Necrotizing encephalopathy infantile subacute of Leigh. Identifiers: Orphanet 506, MedGen C2931891, MONDO:0009723, OMIM 256000.

Submission:

Wong Mito Lab, Molecular and Human Genetics, Baylor College of Medicine
Classification: Likely benign for Leigh syndrome. Last evaluated: 2019-10-17. Review status: criteria provided, single submitter. Criteria: Modified ACMG Guidelines (Unpublished). Collection method: clinical testing. Allele origin: germline.
Comment: The NC_012920.1:m.7083A>G (YP_003024028.1:p.Ile394Val) variant in MTCO1 gene is interpretated to be a Likely Benign variant based on the modified ACMG guidelines (unpublished). This variant meets the following evidence codes: BS1, BP4